The following is an entry in ClinVar:

NM_017947.4(MOCOS):c.512C>T (p.Pro171Leu)

Gene: MOCOS (molybdenum cofactor sulfurase; plus strand). Cytogenetic location: 18q12.2.
Variant type: single nucleotide variant.
Coding change: c.512C>T on transcript NM_017947.4 (MANE Select); coding-DNA position 512, C replaced by T.
Protein change: p.Pro171Leu; replaces proline 171 with leucine.
Molecular consequence: missense variant.
Genome position (GRCh38, 1-based): chr18:36,199,895, C>T. VCF-style: chr18-36199895-C-T. GRCh37 (hg19) VCF-style: chr18-33779858-C-T.
Other names: p.Pro171Leu; short protein forms P171L.
Identifiers: ClinVar variation 639841 (VCV000639841.6), dbSNP rs150556770, ClinGen allele CA8940451.

ClinVar aggregate classification (germline): Conflicting classifications of pathogenicity. Review status: criteria provided, conflicting classifications (1 of 4 stars). 3 submissions from 3 submitters: Uncertain significance (2); Likely benign (1). Last evaluated 2026-07-06.

Conditions:
MOCOS-related disorder. Also called: MOCOS-related condition.
Xanthinuria type II. Also called: Xanthine dehydrogenase and aldehyde oxidase combined deficiency of; XDH and AOX dual deficiency. Identifiers: Orphanet 3467, Orphanet 93602, MedGen C1863688, MONDO:0011346, OMIM 603592.

Allele frequency attached by ClinVar (database versions not stated): 1000 Genomes Project 30x 0.00016; 1000 Genomes Project 0.00020; gnomAD 0.00076; ESP Exome Variant Server 0.00085.
gnomAD v4.1: 1,589 of 1,613,990 alleles (0.098%); highest among the groups gnomAD compares: South Asian, 0.18%; 7 homozygotes.

Submissions (3):

PreventionGenetics, part of Exact Sciences
Classification: Likely benign for MOCOS-related condition. Last evaluated: 2026-07-06. Review status: criteria provided, single submitter. Criteria: ACMG Guidelines, 2015. Collection method: clinical testing. Allele origin: germline.
Comment: This variant is classified as likely benign based on ACMG/AMP sequence variant interpretation guidelines (Richards et al. 2015 PMID: 25741868, with internal and published modifications).

Mayo Clinic Laboratories, Mayo Clinic
Classification: Uncertain significance. Last evaluated: 2025-02-21. Review status: criteria provided, single submitter. Criteria: ACMG Guidelines, 2015. Collection method: clinical testing. Allele origin: germline. Observed: 1 variant allele.
Comment: BS1, BP4, PM3

Labcorp Genetics (formerly Invitae), Labcorp
Classification: Uncertain significance for Xanthinuria type II. Last evaluated: 2022-09-12. Review status: criteria provided, single submitter. Criteria: Invitae Variant Classification Sherloc (09022015). Collection method: clinical testing. Allele origin: germline.
Comment: This sequence change replaces proline, which is neutral and non-polar, with leucine, which is neutral and non-polar, at codon 171 of the MOCOS protein (p.Pro171Leu). This variant is present in population databases (rs150556770, gnomAD 0.2%), and has an allele count higher than expected for a pathogenic variant. This missense change has been observed in individual(s) with xanthinuria (PMID: 34440436). In at least one individual the data is consistent with being in trans (on the opposite chromosome) from a pathogenic variant. ClinVar contains an entry for this variant (Variation ID: 639841). Advanced modeling of protein sequence and biophysical properties (such as structural, functional, and spatial information, amino acid conservation, physicochemical variation, residue mobility, and thermodynamic stability) performed at Invitae indicates that this missense variant is not expected to disrupt MOCOS protein function. In summary, the available evidence is currently insufficient to determine the role of this variant in disease. Therefore, it has been classified as a Variant of Uncertain Significance.

Literature cited by the submitters: PubMed 34440436 (cited by Mayo Clinic Laboratories, Mayo Clinic and Labcorp Genetics (formerly Invitae), Labcorp).